The following is an entry in ClinVar:

ClinVar aggregate classification (germline): Uncertain significance. Review status: criteria provided, multiple submitters, no conflicts (2 of 4 stars). 2 submissions from 2 submitters: Uncertain significance (2). Last evaluated 2023-08-14.

Conditions:
Ataxia-telangiectasia syndrome (AT). Also called: Cerebello-oculocutaneous telangiectasia; Immunodeficiency with ataxia telangiectasia; Ataxia-telangiectasia; Ataxia telangiectasia (A-T); LOUIS-BAR SYNDROME; Ataxia-telangiectasia, complementation group D. Identifiers: Orphanet 100, MedGen C0004135, MONDO:0008840, OMIM 208900.

Allele frequency attached by ClinVar (database versions not stated): gnomAD 0.00001.

Submissions (2):

Labcorp Genetics (formerly Invitae), Labcorp
Classification: Uncertain significance for Ataxia-telangiectasia syndrome. Last evaluated: 2023-08-14. Review status: criteria provided, single submitter. Criteria: Invitae Variant Classification Sherloc (09022015). Collection method: clinical testing. Allele origin: germline.
Comment: This sequence change replaces threonine, which is neutral and polar, with isoleucine, which is neutral and non-polar, at codon 1685 of the ATM protein (p.Thr1685Ile). In summary, the available evidence is currently insufficient to determine the role of this variant in disease. Therefore, it has been classified as a Variant of Uncertain Significance. An algorithm developed to predict the effect of missense changes on protein structure and function (PolyPhen-2) suggests that this variant is likely to be disruptive. ClinVar contains an entry for this variant (Variation ID: 246277). This variant has not been reported in the literature in individuals affected with ATM-related conditions. This variant is not present in population databases (gnomAD no frequency).

GeneDx
Classification: Uncertain significance. Last evaluated: 2015-12-27. Review status: criteria provided, single submitter. Criteria: GeneDx Variant Classification (06012015). Collection method: clinical testing. Allele origin: germline. Affected: yes.
Comment: This variant is denoted ATM c.5054C>T at the cDNA level, p.Thr1685Ile (T1685I) at the protein level, and results in the change of a Threonine to an Isoleucine (ACC>ATC). This variant has not, to our knowledge, been published in the literature as pathogenic or benign. ATM Thr1685Ile was not observed in approximately 6,500 individuals of European and African American ancestry in the NHLBI Exome Sequencing Project, suggesting it is not a common benign variant in these populations. Since Threonine and Isoleucine differ in polarity, charge, size or other properties, this is considered a non-conservative amino acid substitution. ATM Thr1685Ile occurs at a position that is conserved across species and is not located in a known functional domain (Stracker 2013, Tavtigian 2009). In silico analyses are inconsistent regarding the effect this variant may have on protein structure and function. Based on currently available evidence, it is unclear whether ATM Thr1685Ile is pathogenic or benign. We consider it to be a variant of uncertain significance.

NM_000051.4(ATM):c.5054C>T (p.Thr1685Ile)

Gene: ATM (ATM serine/threonine kinase; plus strand). Cytogenetic location: 11q22.3.
Variant type: single nucleotide variant.
Coding change: c.5054C>T on transcript NM_000051.4 (MANE Select); coding-DNA position 5054, C replaced by T.
Protein change: p.Thr1685Ile; replaces threonine 1685 with isoleucine.
Molecular consequence: missense variant.
Genome position (GRCh38, 1-based): chr11:108,299,762, C>T. VCF-style: chr11-108299762-C-T. GRCh37 (hg19) VCF-style: chr11-108170489-C-T.
Other names: c.5054C>T, p.Thr1685Ile (NM_001351834.2); short protein forms T1685I.
Identifiers: ClinVar variation 246277 (VCV000246277.9), dbSNP rs879254191, ClinGen allele CA10584345.